The following is an entry in ClinVar:

ClinVar aggregate classification (germline): Conflicting classifications of pathogenicity. Review status: criteria provided, conflicting classifications (1 of 4 stars). 3 submissions from 3 submitters: Likely pathogenic (1); Uncertain significance (1). 1 of the submissions does not count toward it. Last evaluated 2023-01-21.

Conditions:
Developmental cataract. Also called: Congenital cataracts; Bilateral cataracts; Congenital cataract. Identifiers: MedGen C0009691, HP:0000519.
Cataract 14 multiple types. Also called: CATARACT 14, ZONULAR PULVERULENT; CATARACT 14, NUCLEAR PULVERULENT; CATARACT 14, NUCLEAR PULVERULENT AND POSTERIOR POLAR; CATARACT 14, NUCLEAR CORALLIFORM; CATARACT 14, EMBRYONAL NUCLEAR; CATARACT 14, COPPOCK-LIKE. Identifiers: Orphanet 91492, MedGen C1866078, MONDO:0011162, OMIM 601885.

Submissions (3):

Dept. Genetics and Cancer, Menzies Institute for Medical Research, University of Tasmania
Classification: Uncertain significance for Cataract 14 multiple types. Last evaluated: 2023-01-21. Review status: criteria provided, single submitter. Criteria: ACMG Guidelines, 2015. Collection method: curation. Allele origin: germline. Affected: yes.
Comment: Variant identified and curated during a GJA3 specific review of the literature in relation to pediatric or congenital cataract. ACMG-AMP criteria applied: PM1, PM2(supporting), PM5(supporting), PP3. Original variant report: PMID:26694549. The cataract phenotype reported for this variant is: Nuclear pulverulent. Gene review and curation guidelines are outlined in: DOI 10.1080/17469899.2023.2160322

Molecular Genetics, Royal Melbourne Hospital
Classification: Likely pathogenic for Cataract 14 multiple types. Last evaluated: 2022-04-22. Review status: criteria provided, single submitter. Criteria: ACMG Guidelines, 2015. Collection method: clinical testing. Allele origin: germline. Affected: yes.
Comment: This sequence change is predicted to replace aspartic acid with histidine at codon 3 of the GJA3 protein, p.(Asp3His). The aspartic acid residue is highly conserved (100 vertebrates, UCSC), and is located in the connexin domain at a residue essential for correct voltage sensitivity of the gap junction hemichannels/channels (PMID: 22843197). Furthermore, there is a moderate physicochemical difference between aspartic acid and histidine, including a change in charge from negative to positive which is likely to result in a loss of channel voltage sensitivity. The variant is absent in a large population cohort (gnomAD v2.1), and has been identified in at least two cases with congenital cataracts (Royal Melbourne Hospital; PMID: 26694549). Multiple lines of computational evidence predict a deleterious effect for the missense substitution (7/7 algorithms). Additionally, a different missense change (p.Asp3Tyr) determined to be pathogenic has been seen before (PMID: 29934635, 16885921, 22843197). Based on the classification scheme RMH ACMG Guidelines v1.2.1, this variant is classified as LIKELY PATHOGENIC. Following criteria are met: PM1, PM2, PS4_Supporting, PP3.

Eye Genetics Research Group, Children's Medical Research Institute
Classification: Likely pathogenic for Developmental cataract. Last evaluated: 2015-01-09. Review status: no assertion criteria provided. Collection method: research. Allele origin: unknown. Affected: yes. Not counted in ClinVar's aggregate classification.

Literature cited by the submitters: PubMed 26694549 (cited by 3 submitters); PubMed 16885921 (cited by Molecular Genetics, Royal Melbourne Hospital); PubMed 22843197 (cited by Molecular Genetics, Royal Melbourne Hospital); PubMed 29934635 (cited by Molecular Genetics, Royal Melbourne Hospital).

NM_021954.4(GJA3):c.7G>C (p.Asp3His)

Gene: GJA3 (gap junction protein alpha 3; minus strand). Cytogenetic location: 13q12.11.
Variant type: single nucleotide variant.
Coding change: c.7G>C on transcript NM_021954.4 (MANE Select); coding-DNA position 7, G replaced by C.
Protein change: p.Asp3His; replaces aspartic acid 3 with histidine.
Molecular consequence: missense variant.
Genome position (GRCh38, 1-based): chr13:20,143,282, C>G on the plus strand (G>C on the coding strand, the complement: GJA3 is on the minus strand). VCF-style: chr13-20143282-C-G. GRCh37 (hg19) VCF-style: chr13-20717421-C-G.
Other names: short protein forms D3H.
Identifiers: ClinVar variation 217343 (VCV000217343.4), dbSNP rs864309694, ClinGen allele CA278826.